The following is an entry in ClinVar:

ClinVar aggregate classification (germline): Conflicting classifications of pathogenicity. Review status: criteria provided, conflicting classifications (1 of 4 stars). 2 submissions from 2 submitters: Likely pathogenic (1); Uncertain significance (1). Last evaluated 2025-08-01.

Conditions:
Leber congenital amaurosis 8 (LCA8). Identifiers: Orphanet 65, MedGen C3151202, MONDO:0013453, OMIM 613835.
Retinitis pigmentosa 12 (RP12). Also called: RP WITH OR WITHOUT PRESERVED PARAARTERIOLE RETINAL PIGMENT EPITHELIUM; RETINITIS PIGMENTOSA WITH OR WITHOUT PARAARTERIOLAR PRESERVATION OF RETINAL PIGMENT EPITHELIUM; RP WITH OR WITHOUT PPRPE. Identifiers: Orphanet 791, MedGen C1838647, MONDO:0010818, OMIM 600105.

gnomAD v4.1: 1 of 1,613,864 alleles (0.000062%); highest among the groups gnomAD compares: African/African-American, 0.0013%; no homozygotes.

Submissions (2):

Women's Health and Genetics/Laboratory Corporation of America, LabCorp
Classification: Uncertain significance. Last evaluated: 2025-08-01. Review status: criteria provided, single submitter. Criteria: LabCorp Variant Classification Summary - May 2015. Collection method: clinical testing. Allele origin: germline.
Comment: Variant summary: CRB1 c.4130G>A (p.Gly1377Glu) results in a non-conservative amino acid change in the encoded protein sequence. Algorithms developed to predict the effect of missense changes on protein structure and function all suggest that this variant is likely to be disruptive. The variant was absent in 250400 control chromosomes. The available data on variant occurrences in the general population are insufficient to allow any conclusion about variant significance. c.4130G>A has been observed in an individual affected with early onset Retinal Dystrophy (Xu_2020). These data do not allow any conclusion about variant significance. To our knowledge, no experimental evidence demonstrating an impact on protein function has been reported. The following publication has been ascertained in the context of this evaluation (PMID: 31630094). ClinVar contains an entry for this variant (Variation ID: 3763413). Based on the evidence outlined above, the variant was classified as uncertain significance.

Labcorp Genetics (formerly Invitae), Labcorp
Classification: Likely pathogenic for Leber congenital amaurosis 8; Retinitis pigmentosa 12. Last evaluated: 2024-04-03. Review status: criteria provided, single submitter. Criteria: Invitae Variant Classification Sherloc (09022015). Collection method: clinical testing. Allele origin: germline.
Comment: This sequence change replaces glycine, which is neutral and non-polar, with glutamic acid, which is acidic and polar, at codon 1377 of the CRB1 protein (p.Gly1377Glu). This variant is not present in population databases (gnomAD no frequency). This missense change has been observed in individual(s) with early onset retinal dystrophy (PMID: 31630094). In at least one individual the data is consistent with being in trans (on the opposite chromosome) from a pathogenic variant. Advanced modeling of protein sequence and biophysical properties (such as structural, functional, and spatial information, amino acid conservation, physicochemical variation, residue mobility, and thermodynamic stability) performed at Invitae indicates that this missense variant is expected to disrupt CRB1 protein function with a positive predictive value of 95%. In summary, the currently available evidence indicates that the variant is pathogenic, but additional data are needed to prove that conclusively. Therefore, this variant has been classified as Likely Pathogenic.

Literature cited by the submitters: PubMed 31630094 (cited by Women's Health and Genetics/Laboratory Corporation of America, LabCorp and Labcorp Genetics (formerly Invitae), Labcorp).

NM_201253.3(CRB1):c.4130G>A (p.Gly1377Glu)

Gene: CRB1 (crumbs cell polarity complex component 1; plus strand). Cytogenetic location: 1q31.3.
Variant type: single nucleotide variant.
Coding change: c.4130G>A on transcript NM_201253.3 (MANE Select); coding-DNA position 4130, G replaced by A.
Protein change: p.Gly1377Glu; replaces glycine 1377 with glutamic acid.
Molecular consequence: missense variant. On other transcripts: non-coding transcript variant (2).
Genome position (GRCh38, 1-based): chr1:197,477,788, G>A. VCF-style: chr1-197477788-G-A. GRCh37 (hg19) VCF-style: chr1-197446918-G-A.
Other names: c.3794G>A, p.Gly1265Glu (NM_001193640.2); c.4058G>A, p.Gly1353Glu (NM_001257965.2); c.2522G>A, p.Gly841Glu (NM_001257966.2); short protein forms G1265E, G1353E, G1377E, G841E.
Identifiers: ClinVar variation 3763413 (VCV003763413.4).